The following is an entry in ClinVar:

ClinVar aggregate classification (germline): Conflicting classifications of pathogenicity. Review status: criteria provided, conflicting classifications (1 of 4 stars). 3 submissions from 3 submitters: Likely pathogenic (1); Uncertain significance (1); Likely benign (1). Last evaluated 2025-07-17.

Conditions:
Hereditary cancer-predisposing syndrome. Also called: Tumor predisposition; Hereditary neoplastic syndrome; Neoplastic Syndromes, Hereditary; Hereditary Cancer Syndrome. Identifiers: Orphanet 140162, MedGen C0027672, MeSH D009386, MONDO:0015356.
DICER1-related tumor predisposition. Also called: DICER1-related pleuropulmonary blastoma cancer predisposition syndrome; DICER1 syndrome. Identifiers: Orphanet 284343, MedGen C3839822, MONDO:0100216.

Allele frequency attached by ClinVar (database versions not stated): gnomAD exomes below 0.00001.
gnomAD v4.1: 1 of 1,614,174 alleles (0.000062%); highest among the groups gnomAD compares: Non-Finnish European, 0.000085%; no homozygotes.

Submissions (3):

Ambry Genetics
Classification: Likely pathogenic for Hereditary cancer-predisposing syndrome. Last evaluated: 2025-07-17. Review status: criteria provided, single submitter. Criteria: Ambry Variant Classification Scheme 2023. Collection method: clinical testing. Allele origin: germline.
Comment: The c.4420A>G variant (also known as p.T1474A), located in coding exon 22 of the DICER1 gene, results from an A to G substitution at nucleotide position 4420. The threonine at codon 1474 is replaced by alanine, an amino acid with similar properties. This nucleotide position is not well conserved in available vertebrate species. In silico splice site analysis predicts that this alteration will result in the creation or strengthening of a novel splice acceptor site. RNA studies have demonstrated that this alteration results in abnormal splicing in the set of samples tested (Ambry internal data). Based on the majority of available evidence to date, this variant is likely to be pathogenic.

Labcorp Genetics (formerly Invitae), Labcorp
Classification: Uncertain significance for DICER1-related tumor predisposition. Last evaluated: 2023-01-09. Review status: criteria provided, single submitter. Criteria: Invitae Variant Classification Sherloc (09022015). Collection method: clinical testing. Allele origin: germline.
Comment: RNA analysis performed to evaluate the impact of this missense change on mRNA splicing indicates it does not significantly alter splicing (Invitae). Algorithms developed to predict the effect of missense changes on protein structure and function output the following: SIFT: "Tolerated"; PolyPhen-2: "Benign"; Align-GVGD: "Class C0". The alanine amino acid residue is found in multiple mammalian species, which suggests that this missense change does not adversely affect protein function. ClinVar contains an entry for this variant (Variation ID: 933074). This variant has not been reported in the literature in individuals affected with DICER1-related conditions. This variant is not present in population databases (gnomAD no frequency). This sequence change replaces threonine, which is neutral and polar, with alanine, which is neutral and non-polar, at codon 1474 of the DICER1 protein (p.Thr1474Ala). In summary, the available evidence is currently insufficient to determine the role of this variant in disease. Therefore, it has been classified as a Variant of Uncertain Significance.

Foulkes Cancer Genetics LDI, Lady Davis Institute for Medical Research
Classification: Likely benign. Last evaluated: 2019-07-01. Review status: criteria provided, single submitter. Criteria: ACMG Guidelines, 2015. Collection method: curation. Allele origin: somatic. Affected: yes. Observed: 1 variant allele.
Comment: ACMG criteria met: PM1, PM2, BP1, BP4

Literature cited by the submitters: PubMed 28012864 (cited by Foulkes Cancer Genetics LDI, Lady Davis Institute for Medical Research).

NM_177438.3(DICER1):c.4420A>G (p.Thr1474Ala)

Gene: DICER1 (dicer 1, ribonuclease III; minus strand). Cytogenetic location: 14q32.13.
Variant type: single nucleotide variant.
Coding change: c.4420A>G on transcript NM_177438.3 (MANE Select); coding-DNA position 4420, A replaced by G.
Protein change: p.Thr1474Ala; replaces threonine 1474 with alanine.
Molecular consequence: missense variant.
Genome position (GRCh38, 1-based): chr14:95,096,500, T>C on the plus strand (A>G on the coding strand, the complement: DICER1 is on the minus strand). VCF-style: chr14-95096500-T-C. GRCh37 (hg19) VCF-style: chr14-95562837-T-C.
Other names: c.4420A>G, p.Thr1474Ala (NM_001195573.1, NM_001271282.3, NM_001291628.2 and 1 more transcripts); short protein forms T1474A.
Identifiers: ClinVar variation 933074 (VCV000933074.8), dbSNP rs1890354220, ClinGen allele CA390868662.
Genomic context (GRCh38, chr14:95,096,500, plus strand): 5'-ATGGCATACTACCTAAGGAGGATTTTTTGGGCATTTTCCATTCATATGCAGAATCAGTGG[T>C]TGAAAAAGGAGAAAGAGAGATTTTCTTTACAAAAGCTCCTGACCCCATTAACATATTATC-3'
Protein context (NP_803187.1, residues 1464-1484): VKKISLSPFS[Thr1474Ala]TDSAYEWKMP